The following is an entry in ClinVar:

NM_001377229.1(DISP1):c.1804C>A (p.Gln602Lys)

Gene: DISP1 (dispatched RND transporter family member 1; plus strand). Cytogenetic location: 1q41.
Variant type: single nucleotide variant.
Coding change: c.1804C>A on transcript NM_001377229.1 (MANE Select); coding-DNA position 1804, C replaced by A.
Protein change: p.Gln602Lys; replaces glutamine 602 with lysine.
Molecular consequence: missense variant.
Genome position (GRCh38, 1-based): chr1:223,003,201, C>A. VCF-style: chr1-223003201-C-A. GRCh37 (hg19) VCF-style: chr1-223176543-C-A.
Other names: c.1075C>A, p.Gln359Lys (NM_001350630.2); c.1804C>A, p.Gln602Lys (NM_001369594.1, NM_001377228.1, NM_032890.5); c.1804C>A (NM_032890.3); short protein forms Q359K, Q602K.
Identifiers: ClinVar variation 1174810 (VCV001174810.8), dbSNP rs555036894, ClinGen allele CA1409126.

ClinVar aggregate classification (germline): Uncertain significance. Review status: criteria provided, multiple submitters, no conflicts (2 of 4 stars). 4 submissions from 4 submitters: Uncertain significance (2). 2 of the submissions do not count toward it. Last evaluated 2025-07-21.

Allele frequency attached by ClinVar (database versions not stated): gnomAD 0.00007; gnomAD exomes 0.00008 and 0.00006; ExAC 0.00002; TOPMed 0.00009.
gnomAD v4.1: 118 of 1,614,122 alleles (0.0073%); highest among the groups gnomAD compares: Non-Finnish European, 0.0099%; no homozygotes.

Submissions (4):

Labcorp Genetics (formerly Invitae), Labcorp
Classification: Uncertain significance. Last evaluated: 2025-07-21. Review status: criteria provided, single submitter. Criteria: Invitae Variant Classification Sherloc (09022015). Collection method: clinical testing. Allele origin: germline.
Comment: This sequence change replaces glutamine, which is neutral and polar, with lysine, which is basic and polar, at codon 602 of the DISP1 protein (p.Gln602Lys). This variant is present in population databases (rs555036894, gnomAD 0.01%). This variant has not been reported in the literature in individuals affected with DISP1-related conditions. ClinVar contains an entry for this variant (Variation ID: 1174810). An algorithm developed to predict the effect of missense changes on protein structure and function (PolyPhen-2) suggests that this variant is likely to be tolerated. In summary, the available evidence is currently insufficient to determine the role of this variant in disease. Therefore, it has been classified as a Variant of Uncertain Significance.

Ambry Genetics
Classification: Uncertain significance. Last evaluated: 2022-11-21. Review status: criteria provided, single submitter. Criteria: Ambry Variant Classification Scheme 2023. Collection method: clinical testing. Allele origin: germline.

Diagnostic Laboratory, Department of Genetics, University Medical Center Groningen
Classification: Uncertain significance. Review status: no assertion criteria provided. Collection method: clinical testing. Allele origin: germline. Affected: yes. Study: VKGL Data-share Consensus. Not counted in ClinVar's aggregate classification.

Joint Genome Diagnostic Labs from Nijmegen and Maastricht, Radboudumc and MUMC+
Classification: Uncertain significance. Review status: no assertion criteria provided. Collection method: clinical testing. Allele origin: germline. Affected: yes. Study: VKGL Data-share Consensus. Not counted in ClinVar's aggregate classification.